The following is an entry in ClinVar:

ClinVar aggregate classification (germline): Uncertain significance (1 of 4 stars; one submission).

Submission:

Labcorp Genetics (formerly Invitae), Labcorp
Classification: Uncertain significance. Last evaluated: 2024-05-15. Review status: criteria provided, single submitter. Criteria: Invitae Variant Classification Sherloc (09022015). Collection method: clinical testing. Allele origin: germline.
Comment: This variant, c.120_146delins24, is a complex sequence change that results in the deletion of 8 and insertion of 7 amino acid(s) in the FBXO11 protein (p.Gln42_Pro49delins7). This variant is not present in population databases (gnomAD no frequency). This variant has not been reported in the literature in individuals affected with FBXO11-related conditions. ClinVar contains an entry for this variant (Variation ID: 1992913). Experimental studies and prediction algorithms are not available or were not evaluated, and the functional significance of this variant is currently unknown. In summary, the available evidence is currently insufficient to determine the role of this variant in disease. Therefore, it has been classified as a Variant of Uncertain Significance.

NM_001190274.2(FBXO11):c.120_146delinsTCCGCCGCCGCCGCAGCAGCAGCA (p.Gln42_Pro49delinsProProProGlnGlnGlnGln)

Genes: FBXO11 (F-box protein 11; minus strand), LOC100506235 (uncharacterized LOC100506235; plus strand). Cytogenetic location: 2p16.3.
Variant type: Indel.
Coding change: c.120_146delinsTCCGCCGCCGCCGCAGCAGCAGCA on transcript NM_001190274.2 (MANE Select); coding-DNA positions 120 to 146, GCCCCAGCAGCAGCCTCCGCCGCCGCC replaced by TCCGCCGCCGCCGCAGCAGCAGCA.
Protein change: p.Gln42_Pro49delinsProProProGlnGlnGlnGln.
Molecular consequence: inframe indel. On other transcripts: non-coding transcript variant (1).
Genome position (GRCh38, 1-based): chr2:47,905,575-47,905,601, GGCGGCGGCGGAGGCTGCTGCTGGGGC replaced by TGCTGCTGCTGCGGCGGCGGCGGA on the plus strand (GCCCCAGCAGCAGCCTCCGCCGCCGCC replaced by TCCGCCGCCGCCGCAGCAGCAGCA on the coding strand, the reverse complement: FBXO11 is on the minus strand). GRCh37 (hg19): chr2:48,132,714-48,132,740.
Identifiers: ClinVar variation 1992913 (VCV001992913.4), dbSNP rs2104138885, ClinGen allele CA2580066959.